The following is an entry in ClinVar:

ClinVar aggregate classification (germline): Uncertain significance. Review status: criteria provided, multiple submitters, no conflicts (2 of 4 stars). 2 submissions from 2 submitters: Uncertain significance (2). Last evaluated 2024-10-24.

Conditions:
Lethal multiple pterygium syndrome (LMPS). Identifiers: Orphanet 33108, MedGen C1854678, MONDO:0009668, OMIM 253290.

Allele frequency attached by ClinVar (database versions not stated): gnomAD 0.00001; gnomAD exomes 0.00001; TOPMed 0.00002.

Submissions (2):

Labcorp Genetics (formerly Invitae), Labcorp
Classification: Uncertain significance for Lethal multiple pterygium syndrome. Last evaluated: 2024-10-24. Review status: criteria provided, single submitter. Criteria: Invitae Variant Classification Sherloc (09022015). Collection method: clinical testing. Allele origin: germline.
Comment: This sequence change replaces proline, which is neutral and non-polar, with alanine, which is neutral and non-polar, at codon 89 of the CHRNA1 protein (p.Pro89Ala). This variant is present in population databases (no rsID available, gnomAD 0.002%). This variant has not been reported in the literature in individuals affected with CHRNA1-related conditions. ClinVar contains an entry for this variant (Variation ID: 534529). Invitae Evidence Modeling of protein sequence and biophysical properties (such as structural, functional, and spatial information, amino acid conservation, physicochemical variation, residue mobility, and thermodynamic stability) indicates that this missense variant is not expected to disrupt CHRNA1 protein function with a negative predictive value of 80%. In summary, the available evidence is currently insufficient to determine the role of this variant in disease. Therefore, it has been classified as a Variant of Uncertain Significance.

Kariminejad - Najmabadi Pathology & Genetics Center
Classification: Uncertain significance. Last evaluated: 2023-05-01. Review status: criteria provided, single submitter. Criteria: ACMG Guidelines, 2015. Collection method: clinical testing. Allele origin: germline. Inheritance: Autosomal recessive inheritance. Affected: yes.
Comment: PM2, PP3

NM_000079.4(CHRNA1):c.265C>G (p.Pro89Ala)

Gene: CHRNA1 (cholinergic receptor nicotinic alpha 1 subunit; minus strand). Cytogenetic location: 2q31.1.
Variant type: single nucleotide variant.
Coding change: c.265C>G on transcript NM_000079.4 (MANE Select); coding-DNA position 265, C replaced by G.
Protein change: p.Pro89Ala; replaces proline 89 with alanine.
Molecular consequence: missense variant.
Genome position (GRCh38, 1-based): chr2:174,757,645, G>C on the plus strand (C>G on the coding strand, the complement: CHRNA1 is on the minus strand). VCF-style: chr2-174757645-G-C. GRCh37 (hg19) VCF-style: chr2-175622373-G-C.
Other names: c.340C>G, p.Pro114Ala (NM_001039523.3); short protein forms P89A, P114A.
Identifiers: ClinVar variation 534529 (VCV000534529.7), dbSNP rs912456299, ClinGen allele CA60855573.